The following is an entry in ClinVar:

ClinVar aggregate classification (germline): Conflicting classifications of pathogenicity. Review status: criteria provided, conflicting classifications (1 of 4 stars). 7 submissions from 7 submitters: Uncertain significance (1); Likely benign (3). 3 of the submissions do not count toward it. Last evaluated 2026-02-03.

Conditions:
OSTM1-related disorder. Also called: OSTM1-related condition.
Autosomal recessive osteopetrosis 5. Identifiers: Orphanet 85179, MedGen C1968603, MONDO:0009817, OMIM 259720.

Allele frequency attached by ClinVar (database versions not stated): gnomAD 0.00068; TOPMed 0.00068; gnomAD exomes 0.00086 and 0.00102; ESP Exome Variant Server 0.00102; ExAC 0.00153.
gnomAD v4.1: 1,526 of 1,558,294 alleles (0.098%); highest among the groups gnomAD compares: Middle Eastern, 0.23%; no homozygotes.

Submissions (7):

Labcorp Genetics (formerly Invitae), Labcorp
Classification: Likely benign. Last evaluated: 2026-02-03. Review status: criteria provided, single submitter. Criteria: Invitae Variant Classification Sherloc (09022015). Collection method: clinical testing. Allele origin: germline.

Blueprint Genetics
Classification: Likely benign. Last evaluated: 2024-11-20. Review status: criteria provided, single submitter. Criteria: ACMG Guidelines, 2015. Collection method: clinical testing. Allele origin: germline.

Illumina Laboratory Services, Illumina
Classification: Likely benign for Autosomal recessive osteopetrosis 5. Last evaluated: 2018-01-13. Review status: criteria provided, single submitter. Criteria: ICSL Variant Classification Criteria 13 December 2019. Collection method: clinical testing. Allele origin: germline.
Comment: This variant was observed in the ICSL laboratory as part of a predisposition screen in an ostensibly healthy population. It had not been previously curated by ICSL or reported in the Human Gene Mutation Database (HGMD: prior to June 1st, 2018), and was therefore a candidate for classification through an automated scoring system. Utilizing variant allele frequency, disease prevalence and penetrance estimates, and inheritance mode, an automated score was calculated to assess if this variant is too frequent to cause the disease. Based on the score and internal cut-off values, a variant classified as likely benign is not then subjected to further curation. The score for this variant resulted in a classification of likely benign for this disease.

Eurofins Ntd Llc (ga)
Classification: Uncertain significance. Last evaluated: 2015-04-09. Review status: criteria provided, single submitter. Criteria: EGL Classification Definitions 2015. Collection method: clinical testing. Allele origin: germline. Observed: 1 variant allele, 1 heterozygote.

PreventionGenetics, part of Exact Sciences
Classification: Likely benign for OSTM1-related condition. Last evaluated: 2023-12-29. Review status: no assertion criteria provided. Collection method: clinical testing. Allele origin: germline. Not counted in ClinVar's aggregate classification.
Comment: This variant is classified as likely benign based on ACMG/AMP sequence variant interpretation guidelines (Richards et al. 2015 PMID: 25741868, with internal and published modifications).

Clinical Genetics DNA and cytogenetics Diagnostics Lab, Erasmus MC, Erasmus Medical Center
Classification: Likely benign. Review status: no assertion criteria provided. Collection method: clinical testing. Allele origin: germline. Affected: yes. Study: VKGL Data-share Consensus. Not counted in ClinVar's aggregate classification.

Laboratory of Diagnostic Genome Analysis, Leiden University Medical Center (LUMC)
Classification: Likely benign. Review status: no assertion criteria provided. Collection method: clinical testing. Allele origin: germline. Affected: yes. Study: VKGL Data-share Consensus. Not counted in ClinVar's aggregate classification.

NM_014028.4(OSTM1):c.134A>G (p.Asp45Gly)

Genes: OSTM1 (osteoclastogenesis associated transmembrane protein 1; minus strand), LOC129996933 (ATAC-STARR-seq lymphoblastoid silent region 17446; plus strand). Cytogenetic location: 6q21.
Variant type: single nucleotide variant.
Coding change: c.134A>G on transcript NM_014028.4 (MANE Select); coding-DNA position 134, A replaced by G.
Protein change: p.Asp45Gly; replaces aspartic acid 45 with glycine.
Molecular consequence: missense variant.
Genome position (GRCh38, 1-based): chr6:108,074,518, T>C on the plus strand (A>G on the coding strand, the complement: OSTM1 is on the minus strand). VCF-style: chr6-108074518-T-C. GRCh37 (hg19) VCF-style: chr6-108395722-T-C.
Other names: short protein forms D45G.
Identifiers: ClinVar variation 193369 (VCV000193369.24), dbSNP rs202093691, ClinGen allele CA238890.
Genomic context (GRCh38, chr6:108,074,518, plus strand): 5'-CCCTGCAGGAGGGACAGGGACAAGTCCTCCACCTCCAGCAACTGCTGCTCCGACAGGAGG[T>C]CGTGGAAGACCCTGTGCGGACTGCTGCCGAAGGGGAGCGCGCCCAGGGCCAGCCCCGACC-3'
Protein context (NP_054747.2, residues 35-55): FGSSPHRVFH[Asp45Gly]LLSEQQLLEV